The following is an entry in ClinVar:

NM_000719.7(CACNA1C):c.4289A>C (p.Lys1430Thr)

Gene: CACNA1C (calcium voltage-gated channel subunit alpha1 C; plus strand). Cytogenetic location: 12p13.33.
Variant type: single nucleotide variant.
Coding change: c.4289A>C on transcript NM_000719.7 (MANE Select); coding-DNA position 4289, A replaced by C.
Protein change: p.Lys1430Thr; replaces lysine 1430 with threonine.
Molecular consequence: missense variant.
Genome position (GRCh38, 1-based): chr12:2,664,881, A>C. VCF-style: chr12-2664881-A-C. GRCh37 (hg19) VCF-style: chr12-2774047-A-C.
Other names: c.4433A>C, p.Lys1478Thr (NM_001129827.2, NM_199460.4); c.4355A>C, p.Lys1452Thr (NM_001129829.2); c.4289A>C, p.Lys1430Thr (NM_001129830.3, NM_001129833.2, NM_001129834.2 and 7 more transcripts); c.4373A>C, p.Lys1458Thr (NM_001129831.2); c.4349A>C, p.Lys1450Thr (NM_001129832.2); c.4340A>C, p.Lys1447Thr (NM_001129836.2); c.4256A>C, p.Lys1419Thr (NM_001129837.2, NM_001129838.2, NM_001129846.2 and 1 more transcripts); c.4250A>C, p.Lys1417Thr (NM_001129839.2); and 1 more; short protein forms K1430T, K1447T, K1450T, K1458T, K1478T, K1417T, K1419T, K1427T.
Identifiers: ClinVar variation 802810 (VCV000802810.7), dbSNP rs759934820, ClinGen allele CA6389522.

ClinVar aggregate classification (germline): Uncertain significance. Review status: criteria provided, multiple submitters, no conflicts (2 of 4 stars). 4 submissions from 4 submitters: Uncertain significance (4). Last evaluated 2025-11-03.

Conditions:
Long QT syndrome (LQTS). Identifiers: MedGen C0023976, MeSH D008133, MONDO:0002442. Disease mechanism: loss of function. Inheritance: Various modes of inheritance.
Neurodevelopmental disorder with hypotonia, language delay, and skeletal defects with or without seizures (NEDHLSS). Identifiers: MedGen C5774213, MONDO:0859286, OMIM 620029.
Timothy syndrome (TS). Also called: LONG QT SYNDROME WITH SYNDACTYLY. Identifiers: Orphanet 65283, MedGen C1832916, MeSH C536962, MONDO:0010979, OMIM 601005.

Allele frequency attached by ClinVar (database versions not stated): gnomAD 0.00003 and 0.00002; ExAC 0.00001; gnomAD exomes below 0.00001; TOPMed 0.00002.

Submissions (4):

Labcorp Genetics (formerly Invitae), Labcorp
Classification: Uncertain significance for Long QT syndrome. Last evaluated: 2025-11-03. Review status: criteria provided, single submitter. Criteria: Invitae Variant Classification Sherloc (09022015). Collection method: clinical testing. Allele origin: germline.
Comment: This sequence change replaces lysine, which is basic and polar, with threonine, which is neutral and polar, at codon 1430 of the CACNA1C protein (p.Lys1430Thr). The frequency data for this variant in the population databases is considered unreliable, as metrics indicate poor data quality at this position in the gnomAD database. This variant has not been reported in the literature in individuals affected with CACNA1C-related conditions. ClinVar contains an entry for this variant (Variation ID: 802810). Invitae Evidence Modeling of protein sequence and biophysical properties (such as structural, functional, and spatial information, amino acid conservation, physicochemical variation, residue mobility, and thermodynamic stability) has been performed for this missense variant. However, the output from this modeling did not meet the statistical confidence thresholds required to predict the impact of this variant on CACNA1C protein function. In summary, the available evidence is currently insufficient to determine the role of this variant in disease. Therefore, it has been classified as a Variant of Uncertain Significance.

Dasa
Classification: Uncertain significance. Last evaluated: 2025-03-13. Review status: criteria provided, single submitter. Criteria: DASA Assertion Criteria. Collection method: clinical testing. Allele origin: germline.
Comment: NM_000719.7(CACNA1C):c.4289A>C (p.Lys1430Thr) is a missense variant that results in the substitution of lysine with threonine. This variant is rare in population databases. The currently available literature and clinical evidence are not sufficient to establish a definitive association between this variant and the reported condition. Therefore, this variant is classified as a variant of uncertain significance.

Pittsburgh Clinical Genomics Laboratory, University of Pittsburgh Medical Center
Classification: Uncertain significance for Neurodevelopmental disorder with hypotonia, language delay, and skeletal defects with or without seizures. Last evaluated: 2023-12-30. Review status: criteria provided, single submitter. Criteria: ACMG Guidelines, 2015. Collection method: clinical testing. Allele origin: germline. Inheritance: Autosomal dominant inheritance. Affected: yes.
Comment: This sequence variant is a single nucleotide substitution (A>C) at position 4289 of the coding sequence of the CACNA1C gene that results in a lysine to threonine amino acid change at residue 1430 of the calcium voltage-gated channel subunit alpha1 C protein. This is a previously reported variant (ClinVar 802810) that has not been observed in individuals affected by a CACNA1C-related disorder in the published literature, to our knowledge. This variant is present in 4 of 399468 alleles (0.0010%) in the gnomAD population dataset. Multiple bioinformatic tools predict that this lysine to threonine amino acid change would be neutral, and the Lys1430 residue at this position is highly conserved across the vertebrate species examined. Studies examining the functional consequence of this variant have not been published, to our knowledge. At this time, there is insufficient evidence to determine if this variant is pathogenic or benign. Therefore, we consider this a variant of uncertain significance. ACMG Criteria: PM2, PP3

Mendelics
Classification: Uncertain significance for Timothy syndrome. Last evaluated: 2019-05-28. Review status: criteria provided, single submitter. Criteria: Mendelics Assertion Criteria 2017. Collection method: clinical testing. Allele origin: unknown.